The following is an entry in ClinVar:

NM_001372044.2(SHANK3):c.3488C>T (p.Pro1163Leu)

Gene: SHANK3 (SH3 and multiple ankyrin repeat domains 3; plus strand). Cytogenetic location: 22q13.33.
Variant type: single nucleotide variant.
Coding change: c.3488C>T on transcript NM_001372044.2 (MANE Select); coding-DNA position 3488, C replaced by T.
Protein change: p.Pro1163Leu; replaces proline 1163 with leucine.
Molecular consequence: missense variant.
Genome position (GRCh38, 1-based): chr22:50,721,096, C>T. VCF-style: chr22-50721096-C-T. GRCh37 (hg19) VCF-style: chr22-51159524-C-T.
Other names: short protein forms P1163L.
Identifiers: ClinVar variation 4883811 (VCV004883811.2).
Genomic context (GRCh38, chr22:50,721,096, plus strand): 5'-TGCTGCTGCCCTCCCCGGTGTCTGCCCTGAAGCCGTTGGTCAGCGGCCCGAGCCTGGGGC[C>T]CTCGGGTTCCACCTTCATCCACCCACTCACCGGCAAACCCCTGGACCCCAGCTCACCCCT-3'
Protein context (NP_001358973.1, residues 1153-1173): KPLVSGPSLG[Pro1163Leu]SGSTFIHPLT

ClinVar aggregate classification (germline): Uncertain significance (1 of 4 stars; one submission).

Conditions:
Phelan-McDermid syndrome. Also called: TELOMERIC 22q13 MONOSOMY SYNDROME; 22q13.3 deletion syndrome; Phelan-McDermid Syndrome-SHANK3 Related. Identifiers: Orphanet 48652, MedGen C1853490, MONDO:0011652, OMIM 606232.

Submission:

Dasa
Classification: Uncertain significance for Phelan-McDermid syndrome. Last evaluated: 2026-01-22. Review status: criteria provided, single submitter. Criteria: DASA Assertion Criteria. Collection method: clinical testing. Allele origin: germline.
Comment: NM_001372044.2(SHANK3):c.3488C>T (p.Pro1163Leu) is a missense variant that results in the substitution of proline with leucine. This variant is rare in population databases. Computational prediction algorithms are consistent with a benign effect. The currently available literature and clinical evidence are not sufficient to establish a definitive association between this variant and the reported condition. Therefore, this variant is classified as a variant of uncertain significance.